The following is an entry in ClinVar:

ClinVar aggregate classification (germline): Uncertain significance (1 of 4 stars; one submission).

Conditions:
Pulmonary fibrosis and/or bone marrow failure, Telomere-related, 3. Also called: PULMONARY FIBROSIS AND/OR BONE MARROW FAILURE SYNDROME, TELOMERE-RELATED, 3. Identifiers: Orphanet 2032, MedGen C4225346, MONDO:0014613, OMIM 616373.
Dyskeratosis congenita, autosomal recessive 5 (DKCB5). Identifiers: MedGen C3554656, MONDO:0014076, OMIM 615190.

gnomAD v4.1: 7 of 1,612,088 alleles (0.00043%); highest among the groups gnomAD compares: South Asian, 0.0033%; no homozygotes.

Submission:

Labcorp Genetics (formerly Invitae), Labcorp
Classification: Uncertain significance for Dyskeratosis congenita, autosomal recessive 5; Pulmonary fibrosis and/or bone marrow failure, Telomere-related, 3. Last evaluated: 2024-07-30. Review status: criteria provided, single submitter. Criteria: Invitae Variant Classification Sherloc (09022015). Collection method: clinical testing. Allele origin: germline.
Comment: This sequence change replaces arginine, which is basic and polar, with lysine, which is basic and polar, at codon 1115 of the RTEL1 protein (p.Arg1115Lys). This variant is not present in population databases (gnomAD no frequency). This variant has not been reported in the literature in individuals affected with RTEL1-related conditions. An algorithm developed to predict the effect of missense changes on protein structure and function outputs the following: PolyPhen-2: "Benign". The lysine amino acid residue is found in multiple mammalian species, which suggests that this missense change does not adversely affect protein function. In summary, the available evidence is currently insufficient to determine the role of this variant in disease. Therefore, it has been classified as a Variant of Uncertain Significance.

NM_001283009.2(RTEL1):c.3344G>A (p.Arg1115Lys)

Genes: RTEL1 (regulator of telomere elongation helicase 1; plus strand), RTEL1-TNFRSF6B (RTEL1-TNFRSF6B readthrough (NMD candidate); plus strand). Cytogenetic location: 20q13.33.
Variant type: single nucleotide variant.
Coding change: c.3344G>A on transcript NM_001283009.2 (MANE Select); coding-DNA position 3344, G replaced by A.
Protein change: p.Arg1115Lys; replaces arginine 1115 with lysine.
Molecular consequence: missense variant. On other transcripts: non-coding transcript variant (1).
Genome position (GRCh38, 1-based): chr20:63,695,066, G>A. VCF-style: chr20-63695066-G-A. GRCh37 (hg19) VCF-style: chr20-62326419-G-A.
Other names: c.2675G>A, p.Arg892Lys (NM_001283010.1); c.3344G>A, p.Arg1115Lys (NM_016434.4); c.3416G>A, p.Arg1139Lys (NM_032957.5); short protein forms R1115K, R1139K, R892K.
Identifiers: ClinVar variation 3748748 (VCV003748748.2).